The following is an entry in ClinVar:

ClinVar aggregate classification (germline): Likely benign. Review status: criteria provided, multiple submitters, no conflicts (2 of 4 stars). 5 submissions from 5 submitters: Likely benign (4). 1 of the submissions does not count toward it. Last evaluated 2025-05-19.

Conditions:
LAMA5-related disorder. Also called: LAMA5-Related Disorders; LAMA5-related condition.

Allele frequency attached by ClinVar (database versions not stated): gnomAD exomes 0.00016 and 0.00024; gnomAD 0.00020 and 0.00021; TOPMed 0.00020; ExAC 0.00024.
gnomAD v4.1: 249 of 1,548,890 alleles (0.016%); highest among the groups gnomAD compares: Non-Finnish European, 0.018%; no homozygotes.

Submissions (5):

Labcorp Genetics (formerly Invitae), Labcorp
Classification: Likely benign. Last evaluated: 2025-05-19. Review status: criteria provided, single submitter. Criteria: Invitae Variant Classification Sherloc (09022015). Collection method: clinical testing. Allele origin: germline.

Laboratory of Genetics, Children's Clinical University Hospital Latvia
Classification: Likely benign. Last evaluated: 2025-02-16. Review status: criteria provided, single submitter. Criteria: ACMG Guidelines, 2015. Collection method: clinical testing. Allele origin: germline. Affected: yes.

Blueprint Genetics
Classification: Likely benign. Last evaluated: 2024-10-10. Review status: criteria provided, single submitter. Criteria: ACMG Guidelines, 2015. Collection method: clinical testing. Allele origin: germline.

CeGaT Center for Human Genetics Tuebingen
Classification: Likely benign. Last evaluated: 2023-05-01. Review status: criteria provided, single submitter. Criteria: CeGaT Center For Human Genetics Tuebingen Variant Classification Criteria Version 2. Collection method: clinical testing. Allele origin: germline. Affected: yes. Observed: 2 variant alleles.
Comment: LAMA5: BP4, BP7

PreventionGenetics, part of Exact Sciences
Classification: Likely benign for LAMA5-related condition. Last evaluated: 2022-03-09. Review status: no assertion criteria provided. Collection method: clinical testing. Allele origin: germline. Not counted in ClinVar's aggregate classification.
Comment: This variant is classified as likely benign based on ACMG/AMP sequence variant interpretation guidelines (Richards et al. 2015 PMID: 25741868, with internal and published modifications).

NM_005560.6(LAMA5):c.6804C>T (p.Thr2268=)

Gene: LAMA5 (laminin subunit alpha 5; minus strand). Cytogenetic location: 20q13.33.
Variant type: single nucleotide variant.
Coding change: c.6804C>T on transcript NM_005560.6 (MANE Select); coding-DNA position 6804, C replaced by T.
Protein change: p.Thr2268=; no amino-acid change (threonine 2268 retained).
Molecular consequence: synonymous variant.
Genome position (GRCh38, 1-based): chr20:62,319,751, G>A on the plus strand (C>T on the coding strand, the complement: LAMA5 is on the minus strand). VCF-style: chr20-62319751-G-A. GRCh37 (hg19) VCF-style: chr20-60894807-G-A.
Other names: c.6804C>T (NM_005560.4).
Identifiers: ClinVar variation 1559127 (VCV001559127.34), dbSNP rs774812139, ClinGen allele CA9941548.